The following is an entry in ClinVar:

NM_001374828.1(ARID1B):c.1573A>G (p.Ser525Gly)

Gene: ARID1B (AT-rich interaction domain 1B; plus strand). Cytogenetic location: 6q25.3.
Variant type: single nucleotide variant.
Coding change: c.1573A>G on transcript NM_001374828.1 (MANE Select); coding-DNA position 1573, A replaced by G.
Protein change: p.Ser525Gly; replaces serine 525 with glycine.
Molecular consequence: missense variant.
Genome position (GRCh38, 1-based): chr6:156,779,253, A>G. VCF-style: chr6-156779253-A-G. GRCh37 (hg19) VCF-style: chr6-157100387-A-G.
Other names: c.1573A>G, p.Ser525Gly (NM_001374820.1, NM_001438482.1, NM_001438483.1 and 9 more transcripts); short protein forms S525G.
Identifiers: ClinVar variation 4884982 (VCV004884982.2).

ClinVar aggregate classification (germline): Uncertain significance (1 of 4 stars; one submission).

Submission:

Dasa
Classification: Uncertain significance. Last evaluated: 2026-04-03. Review status: criteria provided, single submitter. Criteria: DASA Assertion Criteria. Collection method: clinical testing. Allele origin: germline.
Comment: NM_001374828.1(ARID1B):c.1573A>G (p.Ser525Gly) is a missense variant that results in the substitution of serine with glycine. This variant is rare in population databases. Computational prediction algorithms are consistent with a benign effect. The currently available literature and clinical evidence are not sufficient to establish a definitive association between this variant and the reported condition. Therefore, this variant is classified as a variant of uncertain significance.